The following is an entry in ClinVar:

NM_006947.4(SRP72):c.59G>A (p.Arg20Gln)

Gene: SRP72 (signal recognition particle 72; plus strand). Cytogenetic location: 4q12.
Variant type: single nucleotide variant.
Coding change: c.59G>A on transcript NM_006947.4 (MANE Select); coding-DNA position 59, G replaced by A.
Protein change: p.Arg20Gln; replaces arginine 20 with glutamine.
Molecular consequence: missense variant. On other transcripts: non-coding transcript variant (1).
Genome position (GRCh38, 1-based): chr4:56,467,694, G>A. VCF-style: chr4-56467694-G-A. GRCh37 (hg19) VCF-style: chr4-57333860-G-A.
Other names: c.59G>A, p.Arg20Gln (NM_001267722.2); short protein forms R20Q.
Identifiers: ClinVar variation 4844214 (VCV004844214.1).
Genomic context (GRCh38, chr4:56,467,694, plus strand): 5'-AGATGGCGAGCGGCGGCAGCGGGGGGGTGTCAGTACCTGCGCTGTGGAGTGAAGTGAACC[G>A]GTATGGCCAGAACGGCGACTTCACGCGCGCTCTCAAGACCGTCAATAAGAGTAAGTGTCG-3'
Protein context (NP_008878.3, residues 10-30): SVPALWSEVN[Arg20Gln]YGQNGDFTRA

ClinVar aggregate classification (germline): Uncertain significance (1 of 4 stars; one submission).

gnomAD v4.1: 3 of 1,565,126 alleles (0.00019%); highest among the groups gnomAD compares: Non-Finnish European, 0.00026%; no homozygotes.

Submission:

Ambry Genetics
Classification: Uncertain significance. Last evaluated: 2026-02-16. Review status: criteria provided, single submitter. Criteria: Ambry Variant Classification Scheme 2023. Collection method: clinical testing. Allele origin: germline.
Comment: The p.R20Q variant (also known as c.59G>A), located in coding exon 1 of the SRP72 gene, results from a G to A substitution at nucleotide position 59. The arginine at codon 20 is replaced by glutamine, an amino acid with highly similar properties. This amino acid position is conserved. In addition, the in silico prediction for this alteration is inconclusive. Based on the available evidence, the clinical significance of this variant remains unclear.